The following is an entry in ClinVar:

NM_020442.6(VARS2):c.1615G>C (p.Val539Leu)

Gene: VARS2 (valyl-tRNA synthetase 2, mitochondrial; plus strand). Cytogenetic location: 6p21.33.
Variant type: single nucleotide variant.
Coding change: c.1615G>C on transcript NM_020442.6 (MANE Select); coding-DNA position 1615, G replaced by C.
Protein change: p.Val539Leu; replaces valine 539 with leucine.
Molecular consequence: missense variant.
Genome position (GRCh38, 1-based): chr6:30,921,288, G>C. VCF-style: chr6-30921288-G-C. GRCh37 (hg19) VCF-style: chr6-30889065-G-C.
Other names: c.1705G>C (NM_001167734.1); c.1195G>C, p.Val399Leu (NM_001167733.3); c.1705G>C, p.Val569Leu (NM_001167734.2); short protein forms V569L, V399L, V539L.
Identifiers: ClinVar variation 2149055 (VCV002149055.8), dbSNP rs200004723, ClinGen allele CA3705972.

ClinVar aggregate classification (germline): Uncertain significance. Review status: criteria provided, multiple submitters, no conflicts (2 of 4 stars). 3 submissions from 3 submitters: Uncertain significance (3). Last evaluated 2025-10-02.

Conditions:
Inborn genetic diseases. Identifiers: MedGen C0950123, MeSH D030342.

Allele frequency attached by ClinVar (database versions not stated): gnomAD 0.00006; TOPMed 0.00005; ESP Exome Variant Server 0.00008; ExAC 0.00009.
gnomAD v4.1: 67 of 1,614,180 alleles (0.0042%); highest among the groups gnomAD compares: Non-Finnish European, 0.0053%; no homozygotes.

Submissions (3):

GeneDx
Classification: Uncertain significance. Last evaluated: 2025-10-02. Review status: criteria provided, single submitter. Criteria: GeneDx Variant Classification Process June 2021. Collection method: clinical testing. Allele origin: germline.
Comment: Not observed at significant frequency in large population cohorts (gnomAD); In silico analysis suggests that this missense variant does not alter protein structure/function; Has not been previously published as pathogenic or benign to our knowledge

Labcorp Genetics (formerly Invitae), Labcorp
Classification: Uncertain significance. Last evaluated: 2024-11-18. Review status: criteria provided, single submitter. Criteria: Invitae Variant Classification Sherloc (09022015). Collection method: clinical testing. Allele origin: germline.
Comment: This sequence change replaces valine, which is neutral and non-polar, with leucine, which is neutral and non-polar, at codon 569 of the VARS2 protein (p.Val569Leu). This variant is present in population databases (rs200004723, gnomAD 0.01%). This variant has not been reported in the literature in individuals affected with VARS2-related conditions. ClinVar contains an entry for this variant (Variation ID: 2149055). An algorithm developed to predict the effect of missense changes on protein structure and function (PolyPhen-2) suggests that this variant is likely to be tolerated. In summary, the available evidence is currently insufficient to determine the role of this variant in disease. Therefore, it has been classified as a Variant of Uncertain Significance.

Ambry Genetics
Classification: Uncertain significance for Inborn genetic diseases. Last evaluated: 2023-05-24. Review status: criteria provided, single submitter. Criteria: Ambry Variant Classification Scheme 2023. Collection method: clinical testing. Allele origin: germline.